The following is an entry in ClinVar:

ClinVar aggregate classification (germline): Uncertain significance. Review status: criteria provided, multiple submitters, no conflicts (2 of 4 stars). 2 submissions from 2 submitters: Uncertain significance (2). Last evaluated 2025-05-09.

Conditions:
Cardiovascular phenotype. Identifiers: MedGen CN230736.
Alstrom syndrome (ALMS). Identifiers: Orphanet 64, MedGen C0268425, MONDO:0008763, OMIM 203800.

Allele frequency attached by ClinVar (database versions not stated): gnomAD 0.00001; TOPMed 0.00001.
gnomAD v4.1: 24 of 1,612,404 alleles (0.0015%); highest among the groups gnomAD compares: Non-Finnish European, 0.002%; no homozygotes.

Submissions (2):

Ambry Genetics
Classification: Uncertain significance for Cardiovascular phenotype. Last evaluated: 2025-05-09. Review status: criteria provided, single submitter. Criteria: Ambry Variant Classification Scheme 2023. Collection method: clinical testing. Allele origin: germline.
Comment: The p.P2800R variant (also known as c.8399C>G), located in coding exon 10 of the ALMS1 gene, results from a C to G substitution at nucleotide position 8399. The proline at codon 2800 is replaced by arginine, an amino acid with dissimilar properties. This amino acid position is not well conserved in available vertebrate species. In addition, this alteration is predicted to be tolerated by in silico analysis. Since supporting evidence is limited at this time, the clinical significance of this alteration remains unclear.

Labcorp Genetics (formerly Invitae), Labcorp
Classification: Uncertain significance for Alstrom syndrome. Last evaluated: 2022-05-20. Review status: criteria provided, single submitter. Criteria: Invitae Variant Classification Sherloc (09022015). Collection method: clinical testing. Allele origin: germline.
Comment: This sequence change replaces proline, which is neutral and non-polar, with arginine, which is basic and polar, at codon 2800 of the ALMS1 protein (p.Pro2800Arg). This variant is not present in population databases (gnomAD no frequency). This variant has not been reported in the literature in individuals affected with ALMS1-related conditions. Experimental studies and prediction algorithms are not available or were not evaluated, and the functional significance of this variant is currently unknown. In summary, the available evidence is currently insufficient to determine the role of this variant in disease. Therefore, it has been classified as a Variant of Uncertain Significance.

NM_001378454.1(ALMS1):c.8396C>G (p.Pro2799Arg)

Gene: ALMS1 (ALMS1 centrosome and basal body associated protein; plus strand). Cytogenetic location: 2p13.1.
Variant type: single nucleotide variant.
Coding change: c.8396C>G on transcript NM_001378454.1 (MANE Select); coding-DNA position 8396, C replaced by G.
Protein change: p.Pro2799Arg; replaces proline 2799 with arginine.
Molecular consequence: missense variant.
Genome position (GRCh38, 1-based): chr2:73,490,355, C>G. VCF-style: chr2-73490355-C-G. GRCh37 (hg19) VCF-style: chr2-73717482-C-G.
Other names: c.8399C>G, p.Pro2800Arg (NM_015120.4); short protein forms P2799R, P2800R.
Identifiers: ClinVar variation 1763206 (VCV001763206.5), dbSNP rs1022090016, ClinGen allele CA50378522.
Genomic context (GRCh38, chr2:73,490,355, plus strand): 5'-ATTCACAAGATAAAGAAGTGACTATTTTAGCAGAAGGTAGAAGGCAAAGCCAAAAATTAC[C>G]TGTTGATTTTGAGCGTTCTTTTCAAGAAGAAAAACCCTTAGAAAGATCAGATTTTACAGG-3'
Protein context (NP_001365383.1, residues 2789-2809): AEGRRQSQKL[Pro2799Arg]VDFERSFQEE